The following continues an entry in ClinVar:

NM_000152.5(GAA):c.877G>A (p.Gly293Arg)

Gene: GAA. ClinVar aggregate classification (germline): Pathogenic. Pathogenic (1).

Submissions 11 to 16 of 16:

Broad Center for Mendelian Genomics, Broad Institute of MIT and Harvard
Classification: Pathogenic for Glycogen storage disease, type II. Last evaluated: 2020-01-22. Review status: criteria provided, single submitter. Criteria: ACMG Guidelines, 2015. Collection method: curation. Allele origin: germline. Inheritance: Autosomal recessive inheritance. Not counted in ClinVar's aggregate classification.
Comment: The p.Gly293Arg variant in GAA has been reported in 8 individuals (including 2 Germans, 2 from the UK, 1 Italian, and 1 Afghan individuals) with Glycogen Storage Disease II (PMID: 14695532, 18429042, 23566438, 15668445, 18607768, 26497565), and has also been reported pathogenic by Invitae, EGL Genetic Diagnostics, OMIM, and Klinikum rechts der Isar in ClinVar (Variation ID: 4036). This variant has been identified in 0.006% (2/35062) of Latino chromosomes, 0.004% (1/24260) of European (non-Finnish) chromosomes, and 0.004% (1/24388) of African chromosomes by the Genome Aggregation Database (gnomAD; dbSNP rs121907945). Although this variant has been seen in the general population, its frequency is low enough to be consistent with a recessive carrier frequency. In vitro functional studies provide some evidence that the p.Gly293Arg variant may impact GAA activity and levels (PMID: 14695532, 19862843). However, these types of assays may not accurately represent biological function. Computational prediction tools and conservation analyses suggest that this variant may impact the protein, though this information is not predictive enough to determine pathogenicity. The presence of this variant in combination with reported pathogenic variants and in individuals with Glycogen Storage Disease II increases the likelihood that the p.Gly293Arg variant is pathogenic (PMID: 26497565, 23566438). The phenotype of individuals homozygous and heterozygous for this variant is highly specific for Glycogen Storage Disease II with abnormally low levels of GAA activity in leukocytes, muscle, or lymphocytes (PMID: PMID: 26497565, 23566438). In summary, this variant meets criteria to be classified as pathogenic for Glycogen Storage Disease II in an autosomal recessive manner based on in vitro functional studies with COS cells transfected with the variant and multiple occurrences with reported pathogenic variants in individuals with Glycogen Storage Disease II. ACMG/AMP Criteria applied: PS3, PM3, PP4, PM2, PP3 (Richards 2015).

Blueprint Genetics
Classification: Pathogenic for GAA-related disorders. Last evaluated: 2019-08-21. Review status: criteria provided, single submitter. Criteria: ACMG Guidelines, 2015. Collection method: clinical testing. Allele origin: germline. Affected: yes. Observed: 3 variant alleles. Not counted in ClinVar's aggregate classification.

Women's Health and Genetics/Laboratory Corporation of America, LabCorp
Classification: Pathogenic for Glycogen storage disease, type II. Last evaluated: 2019-07-05. Review status: criteria provided, single submitter. Criteria: LabCorp Variant Classification Summary - May 2015. Collection method: clinical testing. Allele origin: germline. Not counted in ClinVar's aggregate classification.
Comment: Variant summary: GAA c.877G>A (p.Gly293Arg) results in a non-conservative amino acid change located in the N-terminal domain (IPR025887) of the encoded protein sequence. Five of five in-silico tools predict a damaging effect of the variant on protein function. The variant allele was found at a frequency of 1.6e-05 in 245436 control chromosomes (gnomAD). c.877G>A has been reported in the literature in several compound heterozygous individuals affected with Glycogen Storage Disease, Type 2 (Pompe Disease) (e.g. Hermans_2004, Muller-Felber_2007, Angelini_2012, Herzog_2012). These data indicate that the variant is likely to be associated with disease. Publications also reported experimental evidence evaluating an impact on protein function, and demonstrated a less 10% of normal enzyme activity for the variant protein (Hermans_2004, Flanagan_2009). Three clinical diagnostic laboratories have submitted clinical-significance assessments for this variant to ClinVar after 2014 without evidence for independent evaluation, and all of these laboratories classified the variant as pathogenic. Based on the evidence outlined above, the variant was classified as pathogenic.

Eurofins Ntd Llc (ga)
Classification: Pathogenic. Last evaluated: 2018-01-25. Review status: criteria provided, single submitter. Criteria: EGL Classification Definitions 2015. Collection method: clinical testing. Allele origin: germline. Observed: 3 variant alleles, 3 heterozygotes. Not counted in ClinVar's aggregate classification.

Institute of Human Genetics Munich, TUM University Hospital
Classification: Pathogenic for Glycogen storage disease, type II. Last evaluated: 2017-11-16. Review status: criteria provided, single submitter. Criteria: Classification criteria August 2017. Collection method: clinical testing. Allele origin: inherited. Inheritance: Autosomal recessive inheritance. Affected: yes. Observed: 1 homozygote. Not counted in ClinVar's aggregate classification.

OMIM
Classification: Pathogenic for POMPE DISEASE, LATE-ONSET. Last evaluated: 2005-01-25. Review status: no assertion criteria provided. Collection method: literature only. Allele origin: germline. Not counted in ClinVar's aggregate classification.

Literature cited by the submitters: PubMed 38250073 (cited by Genomenon, Inc); PubMed 35477515 (cited by Genomenon, Inc); PubMed 34734785 (cited by Genomenon, Inc); PubMed 31710733 (cited by Genomenon, Inc); PubMed 31510962 (cited by Genomenon, Inc); PubMed 23566438 (cited by Genomenon, Inc and Broad Center for Mendelian Genomics, Broad Institute of MIT and Harvard); PubMed 29181627 (cited by Genomenon, Inc and Labcorp Genetics (formerly Invitae), Labcorp); PubMed 26497565 (cited by 3 submitters); PubMed 27189384 (cited by Genomenon, Inc); PubMed 14695532 (cited by 4 submitters); PubMed 15668445 (cited by 4 submitters); PubMed 19862843 (cited by 4 submitters); PubMed 22081099 (cited by Natera, Inc. and Women's Health and Genetics/Laboratory Corporation of America, LabCorp); PubMed 17573812 (cited by Labcorp Genetics (formerly Invitae), Labcorp); PubMed 18607768 (cited by Labcorp Genetics (formerly Invitae), Labcorp and Broad Center for Mendelian Genomics, Broad Institute of MIT and Harvard); PubMed 22676651 (cited by Labcorp Genetics (formerly Invitae), Labcorp and Women's Health and Genetics/Laboratory Corporation of America, LabCorp); PubMed 24590251 (cited by Labcorp Genetics (formerly Invitae), Labcorp); PubMed 27344650 (cited by Labcorp Genetics (formerly Invitae), Labcorp); PubMed 29122469 (cited by Labcorp Genetics (formerly Invitae), Labcorp); PubMed 31342611 (cited by Institute of Medical Genetics and Genomics, Sir Ganga Ram Hospital); PubMed 18429042 (cited by Broad Center for Mendelian Genomics, Broad Institute of MIT and Harvard); PubMed 17643989 (cited by Women's Health and Genetics/Laboratory Corporation of America, LabCorp).